The following is an entry in ClinVar:

ClinVar aggregate classification (germline): Benign/Likely benign. Review status: criteria provided, multiple submitters, no conflicts (2 of 4 stars). 4 submissions from 4 submitters: Benign (2); Likely benign (2). Last evaluated 2026-02-04.

Conditions:
Hyper-IgM syndrome type 3. Also called: Hyper-IgM Immunodeficiency Syndrome, Type 3. Identifiers: Orphanet 101090, MedGen C1720957, MONDO:0011735, OMIM 606843.

Allele frequency attached by ClinVar (database versions not stated): 1000 Genomes Project 30x 0.00968; 1000 Genomes Project 0.01058; ExAC 0.01952; TOPMed 0.01969; gnomAD exomes 0.02027 and 0.02623; gnomAD 0.02059 and 0.02132; ESP Exome Variant Server 0.02176.
gnomAD v4.1: 41,479 of 1,613,894 alleles (2.6%); highest among the groups gnomAD compares: Non-Finnish European, 2.9%; 627 homozygotes.

Submissions (4):

Labcorp Genetics (formerly Invitae), Labcorp
Classification: Benign. Last evaluated: 2026-02-04. Review status: criteria provided, single submitter. Criteria: Invitae Variant Classification Sherloc (09022015). Collection method: clinical testing. Allele origin: germline.

ARUP Laboratories, Molecular Genetics and Genomics, ARUP Laboratories
Classification: Benign for Hyper-IgM syndrome type 3. Last evaluated: 2024-08-27. Review status: criteria provided, single submitter. Criteria: ARUP Molecular Germline Variant Investigation Process 2024. Collection method: clinical testing. Allele origin: germline.

GeneDx
Classification: Likely benign. Last evaluated: 2016-03-23. Review status: criteria provided, single submitter. Criteria: GeneDx Variant Classification (06012015). Collection method: clinical testing. Allele origin: germline. Affected: yes.
Comment: This variant is considered likely benign or benign based on one or more of the following criteria: it is a conservative change, it occurs at a poorly conserved position in the protein, it is predicted to be benign by multiple in silico algorithms, and/or has population frequency not consistent with disease.

Breakthrough Genomics
Classification: Likely benign. Review status: criteria provided, single submitter. Criteria: ACMG Guidelines, 2015. Collection method: not provided. Allele origin: germline. Inheritance: Autosomal recessive inheritance. Affected: yes.

NM_001250.6(CD40):c.403+20A>G

Gene: CD40 (CD40 molecule; plus strand). Cytogenetic location: 20q13.12.
Variant type: single nucleotide variant.
Coding change: c.403+20A>G on transcript NM_001250.6 (MANE Select); 20 bases into the intron after coding-DNA position 403, A replaced by G.
Molecular consequence: intron variant.
Genome position (GRCh38, 1-based): chr20:46,122,776, A>G. VCF-style: chr20-46122776-A-G. GRCh37 (hg19) VCF-style: chr20-44751415-A-G.
Other names: c.403+20A>G (LRG_40t1, NM_001302753.2, NM_001322421.2 and 3 more transcripts).
Identifiers: ClinVar variation 377634 (VCV000377634.20), dbSNP rs11699100, ClinGen allele CA9888460.